The following is an entry in ClinVar:

ClinVar aggregate classification (germline): Uncertain significance (1 of 4 stars; one submission).

Submission:

Labcorp Genetics (formerly Invitae), Labcorp
Classification: Uncertain significance. Last evaluated: 2024-08-12. Review status: criteria provided, single submitter. Criteria: Invitae Variant Classification Sherloc (09022015). Collection method: clinical testing. Allele origin: germline.
Comment: This sequence change replaces serine, which is neutral and polar, with tyrosine, which is neutral and polar, at codon 307 of the LRP5 protein (p.Ser307Tyr). This variant is not present in population databases (gnomAD no frequency). This missense change has been observed in individual(s) with familial exudative vitreoretinopathy and/or retinitis pigmentosa (PMID: 31169861, 35754085, 36018796). Advanced modeling of protein sequence and biophysical properties (such as structural, functional, and spatial information, amino acid conservation, physicochemical variation, residue mobility, and thermodynamic stability) has been performed at Invitae for this missense variant, however the output from this modeling did not meet the statistical confidence thresholds required to predict the impact of this variant on LRP5 protein function. This variant disrupts the p.Ser307 amino acid residue in LRP5. Other variant(s) that disrupt this residue have been observed in individuals with LRP5-related conditions (Invitae), which suggests that this may be a clinically significant amino acid residue. In summary, the available evidence is currently insufficient to determine the role of this variant in disease. Therefore, it has been classified as a Variant of Uncertain Significance.

Literature cited by the submitters: PubMed 31169861; PubMed 35754085; PubMed 36018796.

NM_002335.4(LRP5):c.920C>A (p.Ser307Tyr)

Gene: LRP5 (LDL receptor related protein 5; plus strand). Cytogenetic location: 11q13.2.
Variant type: single nucleotide variant.
Coding change: c.920C>A on transcript NM_002335.4 (MANE Select); coding-DNA position 920, C replaced by A.
Protein change: p.Ser307Tyr; replaces serine 307 with tyrosine.
Molecular consequence: missense variant. On other transcripts: 5 prime UTR variant (1).
Genome position (GRCh38, 1-based): chr11:68,365,607, C>A. VCF-style: chr11-68365607-C-A. GRCh37 (hg19) VCF-style: chr11-68133075-C-A.
Other names: c.-846C>A (NM_001291902.2); short protein forms S307Y.
Identifiers: ClinVar variation 3609681 (VCV003609681.2).